The following is an entry in ClinVar:

ClinVar aggregate classification (germline): Uncertain significance. Review status: criteria provided, multiple submitters, no conflicts (2 of 4 stars). 2 submissions from 2 submitters: Uncertain significance (2). Last evaluated 2025-06-25.

Conditions:
Inborn genetic diseases. Identifiers: MedGen C0950123, MeSH D030342.
Acute myeloid leukemia (AML). Also called: Leukemia, acute myeloid, somatic; Leukemia, acute myelogenous, somatic; Acute myeloid leukemia, adult; AML adult; Acute non-lymphocytic leukemia; Acute granulocytic leukemia. Identifiers: Orphanet 519, MedGen C0023467, MeSH D015470, MONDO:0018874, OMIM 601626, HP:0004808. Disease mechanism: Constitutively activated FLT3.

Submissions (2):

Labcorp Genetics (formerly Invitae), Labcorp
Classification: Uncertain significance for Acute myeloid leukemia. Last evaluated: 2025-06-25. Review status: criteria provided, single submitter. Criteria: Invitae Variant Classification Sherloc (09022015). Collection method: clinical testing. Allele origin: germline.
Comment: This variant, c.719_724dup, results in the insertion of 2 amino acid(s) of the CEBPA protein (p.Ala240_Leu241dup), but otherwise preserves the integrity of the reading frame. This variant is not present in population databases (gnomAD no frequency). This variant has not been reported in the literature in individuals affected with CEBPA-related conditions. ClinVar contains an entry for this variant (Variation ID: 1390805). Experimental studies and prediction algorithms are not available or were not evaluated, and the functional significance of this variant is currently unknown. In summary, the available evidence is currently insufficient to determine the role of this variant in disease. Therefore, it has been classified as a Variant of Uncertain Significance.

Ambry Genetics
Classification: Uncertain significance for Inborn genetic diseases. Last evaluated: 2025-04-02. Review status: criteria provided, single submitter. Criteria: Ambry Variant Classification Scheme 2023. Collection method: clinical testing. Allele origin: germline.
Comment: The c.719_724dupCGCTCG variant (also known as p.A240_L241dup), located in coding exon 1 of the CEBPA gene, results from an in-frame duplication of CGCTCG at nucleotide positions 719 to 724. This results in the duplication of 2 extra residues (AL) between codons 240 and 241. These amino acid positions are not well conserved in available vertebrate species. In addition, this alteration is predicted to be neutral by in silico analysis (Choi Y et al. PLoS ONE. 2012; 7(10):e46688). Based on the available evidence, the clinical significance of this variant remains unclear.

NM_004364.5(CEBPA):c.719_724dup (p.Ala240_Leu241dup)

Gene: CEBPA (CCAAT enhancer binding protein alpha; minus strand). Cytogenetic location: 19q13.11.
Variant type: Duplication.
Coding change: c.719_724dup on transcript NM_004364.5 (MANE Select); coding-DNA positions 719 to 724, 6 bases duplicated (CGCTCG; older notation c.719_724dupCGCTCG).
Protein change: p.Ala240_Leu241dup.
Molecular consequence: inframe insertion.
Genome position (GRCh38, 1-based): chr19:33,301,691-33,301,696, CGAGCG duplicated on the plus strand (CGCTCG on the coding strand, the reverse complement: CEBPA is on the minus strand); duplicating any 6 consecutive bases within chr19:33,301,691-33,301,698 gives the same sequence; the c. name uses the placement nearest the transcript's 3' end. VCF-style (leftmost placement, unchanged base first): chr19-33301690-C-CCGAGCG. GRCh37 (hg19) VCF-style: chr19-33792596-C-CCGAGCG.
Other names: c.719_724dupCGCTCG (NM_004364.3); c.362_367dup, p.Ala121_Leu122dup (NM_001285829.2); c.824_829dup, p.Ala275_Leu276dup (NM_001287424.2); c.677_682dup, p.Ala226_Leu227dup (NM_001287435.2).
Identifiers: ClinVar variation 1390805 (VCV001390805.8), dbSNP rs2145260517, ClinGen allele CA645612659.